The following is an entry in ClinVar:

NM_014251.3(SLC25A13):c.1841+11T>C

Gene: SLC25A13 (solute carrier family 25 member 13; minus strand). Cytogenetic location: 7q21.3.
Variant type: single nucleotide variant.
Coding change: c.1841+11T>C on transcript NM_014251.3 (MANE Select); 11 bases into the intron after coding-DNA position 1841, T replaced by C.
Molecular consequence: intron variant.
Genome position (GRCh38, 1-based): chr7:96,121,644, A>G on the plus strand (T>C on the coding strand, the complement: SLC25A13 is on the minus strand). VCF-style: chr7-96121644-A-G. GRCh37 (hg19) VCF-style: chr7-95750956-A-G.
Other names: c.1844+11T>C (NM_001160210.2).
Identifiers: ClinVar variation 668498 (VCV000668498.6), dbSNP rs370546671, ClinGen allele CA4352772.
Genomic context (GRCh38, chr7:96,121,644, plus strand): 5'-GTACCTTTCCCTACGACAACAGAGCATTAGCAGCAGCCAAAATTTAGCAGCAGATTTAGC[A>G]TGATACTTACACTCCTCCAAAATCAATGTAGAACCATCGCTGTAGCAATTCGTAAGTCAG-3'

ClinVar aggregate classification (germline): Likely benign. Review status: criteria provided, multiple submitters, no conflicts (2 of 4 stars). 2 submissions from 2 submitters: Likely benign (2). Last evaluated 2026-01-11.

Conditions:
Citrin deficiency. Identifiers: Orphanet 247582, MedGen C1997910, MONDO:0016602.

Allele frequency attached by ClinVar (database versions not stated): gnomAD exomes 0.00001 and 0.00003; ExAC 0.00005; TOPMed 0.00011; gnomAD 0.00015; 1000 Genomes Project 30x 0.00016; 1000 Genomes Project 0.00020; ESP Exome Variant Server 0.00023.
gnomAD v4.1: 33 of 1,613,972 alleles (0.002%); highest among the groups gnomAD compares: African/African-American, 0.043%; no homozygotes.

Submissions (2):

Labcorp Genetics (formerly Invitae), Labcorp
Classification: Likely benign for Citrin deficiency. Last evaluated: 2026-01-11. Review status: criteria provided, single submitter. Criteria: Invitae Variant Classification Sherloc (09022015). Collection method: clinical testing. Allele origin: germline.

GeneDx
Classification: Likely benign. Last evaluated: 2018-06-08. Review status: criteria provided, single submitter. Criteria: GeneDx Variant Classification (06012015). Collection method: clinical testing. Allele origin: germline. Affected: yes.
Comment: This variant is considered likely benign or benign based on one or more of the following criteria: it is a conservative change, it occurs at a poorly conserved position in the protein, it is predicted to be benign by multiple in silico algorithms, and/or has population frequency not consistent with disease.